The following is an entry in ClinVar:

ClinVar aggregate classification (germline): Uncertain significance (1 of 4 stars; one submission).

Conditions:
Methylmalonic aciduria and homocystinuria type cblF. Also called: METHYLMALONIC ACIDEMIA AND HOMOCYSTINURIA, cblF TYPE; METHYLMALONIC ACIDURIA DUE TO VITAMIN B12-RELEASE DEFECT; VITAMIN B12 LYSOSOMAL RELEASE DEFECT; VITAMIN B12 STORAGE DISEASE; COBALAMIN F DISEASE; COBALAMIN, DEFECT IN LYSOSOMAL RELEASE OF. Identifiers: Orphanet 79284, MedGen C1848578, MONDO:0010183, OMIM 277380.

gnomAD v4.1: 4 of 1,613,362 alleles (0.00025%); no homozygotes.

Submission:

Labcorp Genetics (formerly Invitae), Labcorp
Classification: Uncertain significance for Methylmalonic aciduria and homocystinuria type cblF. Last evaluated: 2024-11-04. Review status: criteria provided, single submitter. Criteria: Invitae Variant Classification Sherloc (09022015). Collection method: clinical testing. Allele origin: germline.
Comment: This sequence change replaces serine, which is neutral and polar, with phenylalanine, which is neutral and non-polar, at codon 4 of the LMBRD1 protein (p.Ser4Phe). This variant is not present in population databases (gnomAD no frequency). This variant has not been reported in the literature in individuals affected with LMBRD1-related conditions. ClinVar contains an entry for this variant (Variation ID: 2082422). An algorithm developed to predict the effect of missense changes on protein structure and function (PolyPhen-2) suggests that this variant is likely to be tolerated. In summary, the available evidence is currently insufficient to determine the role of this variant in disease. Therefore, it has been classified as a Variant of Uncertain Significance.

NM_018368.4(LMBRD1):c.11C>T (p.Ser4Phe)

Gene: LMBRD1 (LMBR1 domain containing 1; minus strand). Cytogenetic location: 6q13.
Variant type: single nucleotide variant.
Coding change: c.11C>T on transcript NM_018368.4 (MANE Select); coding-DNA position 11, C replaced by T.
Protein change: p.Ser4Phe; replaces serine 4 with phenylalanine.
Molecular consequence: missense variant.
Genome position (GRCh38, 1-based): chr6:69,796,871, G>A on the plus strand (C>T on the coding strand, the complement: LMBRD1 is on the minus strand). VCF-style: chr6-69796871-G-A. GRCh37 (hg19) VCF-style: chr6-70506763-G-A.
Other names: short protein forms S4F.
Identifiers: ClinVar variation 2082422 (VCV002082422.4), dbSNP rs2481499980, ClinGen allele CA364803916.